The following is an entry in ClinVar:

ClinVar aggregate classification (germline): Benign/Likely benign. Review status: criteria provided, multiple submitters, no conflicts (2 of 4 stars). 6 submissions from 6 submitters: Benign (1); Likely benign (4). 1 of the submissions does not count toward it. Last evaluated 2026-01-28.

Conditions:
SLC34A3-related disorder. Also called: SLC34A3-related condition.

Allele frequency attached by ClinVar (database versions not stated): ExAC 0.00072; gnomAD 0.00202; ESP Exome Variant Server 0.00223; 1000 Genomes Project 0.00240; TOPMed 0.00242.
gnomAD v4.1: 682 of 1,612,526 alleles (0.042%); highest among the groups gnomAD compares: African/African-American, 0.71%; 5 homozygotes.

Submissions (6):

Labcorp Genetics (formerly Invitae), Labcorp
Classification: Benign. Last evaluated: 2026-01-28. Review status: criteria provided, single submitter. Criteria: Invitae Variant Classification Sherloc (09022015). Collection method: clinical testing. Allele origin: germline.

Mayo Clinic Laboratories, Mayo Clinic
Classification: Likely benign. Last evaluated: 2025-10-01. Review status: criteria provided, single submitter. Criteria: ACMG Guidelines, 2015. Collection method: clinical testing. Allele origin: germline. Observed: 1 variant allele.
Comment: BS1, BP4

Blueprint Genetics
Classification: Likely benign. Last evaluated: 2024-11-25. Review status: criteria provided, single submitter. Criteria: ACMG Guidelines, 2015. Collection method: clinical testing. Allele origin: germline.

GeneDx
Classification: Likely benign. Last evaluated: 2019-10-09. Review status: criteria provided, single submitter. Criteria: GeneDx Variant Classification Process June 2021. Collection method: clinical testing. Allele origin: germline. Affected: yes.

Breakthrough Genomics
Classification: Likely benign. Review status: criteria provided, single submitter. Criteria: ACMG Guidelines, 2015. Collection method: not provided. Allele origin: germline. Inheritance: Autosomal recessive inheritance. Affected: yes.

PreventionGenetics, part of Exact Sciences
Classification: Likely benign for SLC34A3-related condition. Last evaluated: 2019-10-30. Review status: no assertion criteria provided. Collection method: clinical testing. Allele origin: germline. Not counted in ClinVar's aggregate classification.
Comment: This variant is classified as likely benign based on ACMG/AMP sequence variant interpretation guidelines (Richards et al. 2015 PMID: 25741868, with internal and published modifications).

NM_001177316.2(SLC34A3):c.836C>T (p.Thr279Met)

Gene: SLC34A3 (solute carrier family 34 member 3; plus strand). Cytogenetic location: 9q34.3.
Variant type: single nucleotide variant.
Coding change: c.836C>T on transcript NM_001177316.2 (MANE Select); coding-DNA position 836, C replaced by T.
Protein change: p.Thr279Met; replaces threonine 279 with methionine.
Molecular consequence: missense variant.
Genome position (GRCh38, 1-based): chr9:137,233,712, C>T. VCF-style: chr9-137233712-C-T. GRCh37 (hg19) VCF-style: chr9-140128164-C-T.
Other names: p.Thr279Met; c.836C>T, p.Thr279Met (NM_001177317.2, NM_080877.3); short protein forms T279M.
Identifiers: ClinVar variation 746421 (VCV000746421.15), dbSNP rs150570831, ClinGen allele CA5364611.
Genomic context (GRCh38, chr9:137,233,712, plus strand): 5'-TGAGCAGTGCCACAGGCAACGCCACTAACAGCAGTCTCATTAAGCACTGGTGCGGCACCA[C>T]GGGGCAGCCGGTGAGGCACCCAACCCTAGGCCCTCACTGACCCCCAACCTCCCACCTGCT-3'
Protein context (NP_001170787.2, residues 269-289): SSLIKHWCGT[Thr279Met]GQPTQENSSC